The following is an entry in ClinVar:

ClinVar aggregate classification (germline): Likely benign (0 of 4 stars; one submission).

Conditions:
KNL1-related disorder. Also called: KNL1-related condition.

Allele frequency attached by ClinVar (database versions not stated): gnomAD exomes below 0.00001.
gnomAD v4.1: 1 of 1,590,480 alleles (0.000063%); highest among the groups gnomAD compares: South Asian, 0.0012%; no homozygotes.

Submission:

PreventionGenetics, part of Exact Sciences
Classification: Likely benign for KNL1-related condition. Last evaluated: 2020-04-01. Review status: no assertion criteria provided. Collection method: clinical testing. Allele origin: germline.
Comment: This variant is classified as likely benign based on ACMG/AMP sequence variant interpretation guidelines (Richards et al. 2015 PMID: 25741868, with internal and published modifications).

NM_144508.5(KNL1):c.2412A>G (p.Lys804=)

Gene: KNL1 (kinetochore scaffold 1; plus strand). Cytogenetic location: 15q15.1.
Variant type: single nucleotide variant.
Coding change: c.2412A>G on transcript NM_144508.5 (MANE Select); coding-DNA position 2412, A replaced by G.
Protein change: p.Lys804=; no amino-acid change (lysine 804 retained).
Molecular consequence: synonymous variant.
Genome position (GRCh38, 1-based): chr15:40,622,676, A>G. VCF-style: chr15-40622676-A-G. GRCh37 (hg19) VCF-style: chr15-40914874-A-G.
Other names: c.2490A>G, p.Lys830= (NM_170589.5).
Identifiers: ClinVar variation 3054695 (VCV003054695.2), dbSNP rs2504274628, ClinGen allele CA489977303.